The following continues an entry in ClinVar:

NM_000257.4(MYH7):c.3286G>T (p.Asp1096Tyr)

Gene: MYH7. ClinVar aggregate classification (germline): Likely benign. Likely benign (1).

Submissions 9 to 24 of 24:

All of Us Research Program, National Institutes of Health
Classification: Uncertain significance for Cardiomyopathy. Last evaluated: 2024-09-27. Review status: criteria provided, single submitter. Criteria: ACMG Guidelines, 2015. Collection method: clinical testing. Allele origin: germline. Inheritance: Autosomal dominant inheritance. Observed: 80 variant alleles, 80 heterozygotes. Not counted in ClinVar's aggregate classification.
Comment: This missense variant replaces aspartic acid with tyrosine at codon 1096 of the MYH7 protein. Computational prediction suggests that this variant may have deleterious impact on protein structure and function (internally defined REVEL score threshold >= 0.7, PMID: 27666373). To our knowledge, functional studies have not been reported for this variant. This variant has been reported in several individuals affected with cardiomyopathy (PMID: 19412328, 27247418, 25031304, 32659924, 32746648, 32880476). This variant has also been identified in 40/282846 chromosomes (40/129122 non-Finnish European chromosomes) in the general population by the Genome Aggregation Database (gnomAD). Although the variant allele frequency is greater than expected for MYH7-related disorders based on prevalence, penetrance, and allelic heterogeneity, the available evidence is insufficient to determine the role of this variant in disease conclusively. Therefore, this variant is classified as a Variant of Uncertain Significance.

This study involves interpretation of variants in research participants for the purpose of population health screening. Participant phenotype was not available at the time of variant classification. Additional details can be found in publication PMID: 35346344, PMCID: PMC8962531

Laboratory for Molecular Medicine, Mass General Brigham Personalized Medicine
Classification: Likely benign for Primary dilated cardiomyopathy. Last evaluated: 2022-11-03. Review status: criteria provided, single submitter. Criteria: ACMG Guidelines, 2015. Collection method: clinical testing. Allele origin: germline. Not counted in ClinVar's aggregate classification.
Comment: The p.Asp1096Tyr variant in MYH7 has been previously reported in >3 individuals with DCM left ventricular hypertrophy (Hershberger 2008 PMID: 19412328, Helms 2014 PMID: 25031304, LMM data). This variant has also been identified in 0.026% (18/68042) European chromosomes by gnomAD. This variant was classified as Likely Benign on Mar 22, 2021 by the ClinGen-approved Cardiomyopathy variant curation expert panel (Variation ID 42953). Given the frequency, this variant is classified as likely benign. ACMG/AMP Criteria applied: BS1, PP3.

Ambry Genetics
Classification: Likely benign for Cardiovascular phenotype. Last evaluated: 2021-06-05. Review status: criteria provided, single submitter. Criteria: Ambry Variant Classification Scheme 2023. Collection method: clinical testing. Allele origin: germline. Not counted in ClinVar's aggregate classification.

GeneDx
Classification: Likely benign. Last evaluated: 2021-04-26. Review status: criteria provided, single submitter. Criteria: GeneDx Variant Classification Process June 2021. Collection method: clinical testing. Allele origin: germline. Affected: yes. Not counted in ClinVar's aggregate classification.
Comment: This variant is associated with the following publications: (PMID: 23299917, 25163546, 32659924, 22337857, 23403236, 18555187, 27247418, 25031304, 19412328, 26383716, 27688314, 29300372, 28798025, 31737537, 28588093, 32528171, 32880476)

Petrovsky National Research Centre of Surgery, The Federal Agency for Scientific Organizations
Classification: Uncertain significance. Last evaluated: 2020-11-17. Review status: criteria provided, single submitter. Criteria: ACMG Guidelines, 2015. Collection method: clinical testing. Allele origin: unknown. Inheritance: Autosomal dominant inheritance. Affected: yes. Observed: 1 heterozygote. Not counted in ClinVar's aggregate classification.
Comment: The p.D1096Y variant has a frequency of 1.414e-4 in gnomAD. The variant was detected in a MYH7 gene with z-score of 3.93, therefore intolerant to missense variants. Online in silico tools (PolyPhen2, MutationTaster, SIFT) predict the variant to be deleterious. However, in the absence of family screening results and the data on functional effects, we could only classify the p.D1096Y variant as the variant of uncertain clinical significance.

CHEO Genetics Diagnostic Laboratory, Children's Hospital of Eastern Ontario
Classification: Uncertain significance for Cardiomyopathy. Last evaluated: 2019-10-30. Review status: criteria provided, single submitter. Criteria: ACMG Guidelines, 2015. Collection method: clinical testing. Allele origin: germline. Not counted in ClinVar's aggregate classification.

Illumina Laboratory Services, Illumina
Classification: Benign for Dilated cardiomyopathy 1S. Last evaluated: 2019-05-21. Review status: criteria provided, single submitter. Criteria: ICSL Variant Classification Criteria 13 December 2019. Collection method: clinical testing. Allele origin: germline. Not counted in ClinVar's aggregate classification.
Comment: This variant was observed as part of a predisposition screen in an ostensibly healthy population. A literature search was performed for the gene, cDNA change, and amino acid change (where applicable). Publications were found based on this search. The evidence from the literature, in combination with allele frequency data from public databases where available, was sufficient to rule this variant out of causing disease. Therefore, this variant is classified as benign.

Illumina Laboratory Services, Illumina
Classification: Benign for MYH7-related skeletal myopathy. Last evaluated: 2019-05-21. Review status: criteria provided, single submitter. Criteria: ICSL Variant Classification Criteria 13 December 2019. Collection method: clinical testing. Allele origin: germline. Not counted in ClinVar's aggregate classification.
Comment: the same text as in the submission from Illumina Laboratory Services, Illumina above.

Illumina Laboratory Services, Illumina
Classification: Uncertain significance for Myosin storage myopathy. Last evaluated: 2019-05-21. Review status: criteria provided, single submitter. Criteria: ICSL Variant Classification Criteria 13 December 2019. Collection method: clinical testing. Allele origin: germline. Not counted in ClinVar's aggregate classification.
Comment: This variant was observed as part of a predisposition screen in an ostensibly healthy population. A literature search was performed for the gene, cDNA change, and amino acid change (where applicable). Publications were found based on this search. However, the evidence from the literature, in combination with allele frequency data from public databases where available, was not sufficient to rule this variant in or out of causing disease. Therefore, this variant is classified as a variant of unknown significance.

Institute of Human Genetics, University of Leipzig Medical Center
Classification: Uncertain significance for Dilated cardiomyopathy 1S. Last evaluated: 2019-01-01. Review status: criteria provided, single submitter. Criteria: ACMG Guidelines, 2015. Collection method: clinical testing. Allele origin: unknown. Affected: yes. Not counted in ClinVar's aggregate classification.

CSER _CC_NCGL, University of Washington
Classification: Likely pathogenic for Dilated cardiomyopathy. Last evaluated: 2016-10-01. Review status: criteria provided, single submitter. Criteria: Amendola et al. (Genome Res. 2015). Collection method: research. Allele origin: germline. Affected: no. Study: CSER - NEXT Medicine variant annotation. Not counted in ClinVar's aggregate classification.
Comment: This interpretation considers GERP score and allele frequency data, in addition to published reports of the variant in the literature, available at the time of review.

Agnes Ginges Centre for Molecular Cardiology, Centenary Institute
Classification: Uncertain significance for Hypertrophic cardiomyopathy 1. Last evaluated: 2015-07-30. Review status: criteria provided, single submitter. Criteria: Agnes Ginges Centre for Molecular Cardiology criteria (2015). Collection method: research. Allele origin: germline. Inheritance: Autosomal dominant inheritance. Affected: yes. Not counted in ClinVar's aggregate classification.
Comment: The Asp1096Tyr variant in MYH7 has been previously reported by Hershberger et al (2008) in 2 DCM probands. Helms et al (2014) analysed sarcomere transcript and protein levels in septal myectomy and transplant specimens from genotyped HCM patients - one of whome carried this MYH Asp1096Tyr variant. This variant has been reported with an allele frequency of 0.0001 (18/66,720 European non-Finnish alleles and 1/908 'other') in the Exome Aggregation Consortium dataset. The MYH7 Asp1096Tyr variant occurs in a conserved region, and in-silico tools (SIFT, PolyPhen, MutationTaster and CADD) support a damaging role for this variant, however this alone is not strong evidence for pathogenicity. Based on the limited reports in the literature, and our finding of MYH7 Asp1096Tyr in an isolated HCM case who carried an additional variant which is known to be disease-causing, we have classified this variant as having "uncertain significance". Additional evidence is required to fully establish its pathogenic role.

Institut für Laboratoriums- und Transfusionsmedizin, Herz- und Diabeteszentrum Nordrhein-Westfalen
Classification: Uncertain significance for Dilated cardiomyopathy 1S. Last evaluated: 2016-05-01. Review status: no assertion criteria provided. Collection method: clinical testing. Allele origin: germline. Affected: yes. Observed: 1 variant allele. Not counted in ClinVar's aggregate classification.

Department of Pathology and Laboratory Medicine, Sinai Health System
Classification: Uncertain significance. Review status: no assertion criteria provided. Collection method: clinical testing. Allele origin: unknown. Affected: yes. Study: The Canadian Open Genetics Repository (COGR). Not counted in ClinVar's aggregate classification.
Comment: The MYH7 p.Asp1096Tyr variant was identified in 4 of 1006 proband chromosomes (frequency: 0.00398) from individuals with dilated cardiomyopathy (DCM) or left ventricular non-compaction (LVNC) and was not identified in 506 control chromosomes from healthy individuals (Hershberger_2008_PMID:19412328; Miszalski-Jamka_2017_PMID:28798025). The variant was identified in dbSNP (ID: rs45478699) and ClinVar (classified as uncertain significance by Invitae, Laboratory for Molecular Medicine, ClinGen Inherited Cardiomyopathy Variant Curation Expert Panel and five other laboratories, and classified as likely pathogenic by CSER_CC_NCGL; University of Washington Medical Center). The variant was identified in control databases in 40 of 282846 chromosomes at a frequency of 0.0001414 (Genome Aggregation Database March 6, 2019, v2.1.1). The variant was observed in the European (non-Finnish) population in 40 of 129162 chromosomes (freq: 0.00031), but was not observed in the African, Latino, Ashkenazi Jewish, East Asian, European (Finnish), Other, or South Asian populations. The p.Asp1096 residue is conserved across mammals and other organisms, and computational analyses (PolyPhen-2, SIFT, AlignGVGD, BLOSUM, MutationTaster) suggest that the variant may impact the protein; however, this information is not predictive enough to assume pathogenicity. The variant occurs outside of the splicing consensus sequence and in silico or computational prediction software programs (SpliceSiteFinder, MaxEntScan, NNSPLICE, GeneSplicer) do not predict a difference in splicing. In summary, based on the above information the clinical significance of this variant cannot be determined with certainty at this time. This variant is classified as a variant of uncertain significance.

Diagnostic Laboratory, Department of Genetics, University Medical Center Groningen
Classification: Uncertain significance. Review status: no assertion criteria provided. Collection method: clinical testing. Allele origin: germline. Affected: yes. Study: VKGL Data-share Consensus. Not counted in ClinVar's aggregate classification.

Joint Genome Diagnostic Labs from Nijmegen and Maastricht, Radboudumc and MUMC+
Classification: Uncertain significance. Review status: no assertion criteria provided. Collection method: clinical testing. Allele origin: germline. Affected: yes. Study: VKGL Data-share Consensus. Not counted in ClinVar's aggregate classification.

Literature cited by the submitters: PubMed 29300372 (cited by 3 submitters); PubMed 18555187 (cited by Women's Health and Genetics/Laboratory Corporation of America, LabCorp and Ambry Genetics); PubMed 19412328 (cited by 8 submitters); PubMed 23299917 (cited by Women's Health and Genetics/Laboratory Corporation of America, LabCorp and Ambry Genetics); PubMed 23403236 (cited by Women's Health and Genetics/Laboratory Corporation of America, LabCorp and Ambry Genetics); PubMed 27247418 (cited by 5 submitters); PubMed 37652022 (cited by Women's Health and Genetics/Laboratory Corporation of America, LabCorp and Labcorp Genetics (formerly Invitae), Labcorp); PubMed 25031304 (cited by 6 submitters); PubMed 25163446 (cited by Labcorp Genetics (formerly Invitae), Labcorp); PubMed 28798025 (cited by Labcorp Genetics (formerly Invitae), Labcorp and Ambry Genetics); PubMed 32659924 (cited by 3 submitters); PubMed 32746648 (cited by Color Diagnostics, LLC DBA Color Health and All of Us Research Program, National Institutes of Health); PubMed 32880476 (cited by Color Diagnostics, LLC DBA Color Health and All of Us Research Program, National Institutes of Health); PubMed 22337857 (cited by Ambry Genetics); PubMed 25163546 (cited by Ambry Genetics); PubMed 27688314 (cited by Ambry Genetics); PubMed 28588093 (cited by Ambry Genetics); PubMed 32528171 (cited by Ambry Genetics).